The following is an entry in ClinVar:

NM_174936.4(PCSK9):c.620A>T (p.Asn207Ile)

Gene: PCSK9 (proprotein convertase subtilisin/kexin type 9; plus strand). Cytogenetic location: 1p32.3.
Variant type: single nucleotide variant.
Coding change: c.620A>T on transcript NM_174936.4 (MANE Select); coding-DNA position 620, A replaced by T.
Protein change: p.Asn207Ile; replaces asparagine 207 with isoleucine.
Molecular consequence: missense variant. On other transcripts: non-coding transcript variant (8).
Genome position (GRCh38, 1-based): chr1:55,052,374, A>T. VCF-style: chr1-55052374-A-T. GRCh37 (hg19) VCF-style: chr1-55518047-A-T.
Other names: c.743A>T, p.Asn248Ile (NM_001407240.1); c.620A>T, p.Asn207Ile (NM_001407241.1, NM_001407242.1, NM_001407244.1 and 1 more transcripts); c.563A>T, p.Asn188Ile (NM_001407243.1); c.428A>T, p.Asn143Ile (NM_001407245.1); c.245A>T, p.Asn82Ile (NM_001407246.1); short protein forms N143I, N82I, N207I, N188I, N248I.
Identifiers: ClinVar variation 3929793 (VCV003929793.1).

ClinVar aggregate classification (germline): Uncertain significance (1 of 4 stars; one submission).

Conditions:
Cardiovascular phenotype. Identifiers: MedGen CN230736.

Submission:

Ambry Genetics
Classification: Uncertain significance for Cardiovascular phenotype. Last evaluated: 2025-05-27. Review status: criteria provided, single submitter. Criteria: Ambry Variant Classification Scheme 2023. Collection method: clinical testing. Allele origin: germline.
Comment: The p.N207I variant (also known as c.620A>T), located in coding exon 4 of the PCSK9 gene, results from an A to T substitution at nucleotide position 620. The asparagine at codon 207 is replaced by isoleucine, an amino acid with dissimilar properties. This amino acid position is conserved. In addition, this alteration is predicted to be tolerated by in silico analysis. Based on the available evidence, the clinical significance of this variant remains unclear.